The following is an entry in ClinVar:

NM_153717.3(EVC):c.*210C>A

Gene: EVC (EvC ciliary complex subunit 1; plus strand). Cytogenetic location: 4p16.2.
Variant type: single nucleotide variant.
Coding change: c.*210C>A on transcript NM_153717.3 (MANE Select); 210 bases downstream of the stop codon, C replaced by A.
Molecular consequence: 3 prime UTR variant.
Genome position (GRCh38, 1-based): chr4:5,811,247, C>A. VCF-style: chr4-5811247-C-A. GRCh37 (hg19) VCF-style: chr4-5812974-C-A.
Other names: c.*210C>A (NM_001306090.2).
Identifiers: ClinVar variation 349219 (VCV000349219.8), dbSNP rs16837692, ClinGen allele CA10621387.
Genomic context (GRCh38, chr4:5,811,247, plus strand): 5'-TGCCCTAAAAGCATAAATGAGTATCACCTGAGAAAATTAGGCATTCCCGTCTTGGAAACA[C>A]GTCTCTGTGAGTTTGCATTTCATTTGGCTTGGAGCCCTGGCTCGATGCCTCATGGATCTT-3'

ClinVar aggregate classification (germline): Benign. Review status: criteria provided, multiple submitters, no conflicts (2 of 4 stars). 3 submissions from 3 submitters: Benign (3). Last evaluated 2018-06-14.

Conditions:
Ellis-van Creveld syndrome (EVC). Also called: EVC-Related Ellis-van Creveld Syndrome; EVC2-Related Ellis-van Creveld Syndrome; MESOECTODERMAL DYSPLASIA; Chondroectodermal dysplasia. Identifiers: Orphanet 289, MedGen C0013903, MONDO:0009162, OMIM 225500.

Allele frequency attached by ClinVar (database versions not stated): 1000 Genomes Project 0.08846; 1000 Genomes Project 30x 0.08916; TOPMed 0.12499; gnomAD 0.12696 and 0.13049.
gnomAD v4.1: 66,398 of 547,594 alleles (12%); highest among the groups gnomAD compares: Non-Finnish European, 14%; 4,501 homozygotes.

Submissions (3):

GeneDx
Classification: Benign. Last evaluated: 2018-06-14. Review status: criteria provided, single submitter. Criteria: GeneDx Variant Classification Process June 2021. Collection method: clinical testing. Allele origin: germline. Affected: yes.

Illumina Laboratory Services, Illumina
Classification: Benign for Ellis-van Creveld syndrome. Last evaluated: 2018-01-13. Review status: criteria provided, single submitter. Criteria: ICSL Variant Classification Criteria 13 December 2019. Collection method: clinical testing. Allele origin: germline.
Comment: This variant was observed in the ICSL laboratory as part of a predisposition screen in an ostensibly healthy population. It had not been previously curated by ICSL or reported in the Human Gene Mutation Database (HGMD: prior to June 1st, 2018), and was therefore a candidate for classification through an automated scoring system. Utilizing variant allele frequency, disease prevalence and penetrance estimates, and inheritance mode, an automated score was calculated to assess if this variant is too frequent to cause the disease. Based on the score and internal cut-off values, a variant classified as benign is not then subjected to further curation. The score for this variant resulted in a classification of benign for this disease.

Breakthrough Genomics
Classification: Benign. Review status: criteria provided, single submitter. Criteria: ACMG Guidelines, 2015. Collection method: not provided. Allele origin: germline. Inheritance: Autosomal recessive inheritance. Affected: yes.